The following is an entry in ClinVar:

NM_006947.4(SRP72):c.21G>T (p.Gly7=)

Genes: SRP72 (signal recognition particle 72; plus strand), LOC129992625 (ATAC-STARR-seq lymphoblastoid active region 21580; plus strand). Cytogenetic location: 4q12.
Variant type: single nucleotide variant.
Coding change: c.21G>T on transcript NM_006947.4 (MANE Select); coding-DNA position 21, G replaced by T.
Protein change: p.Gly7=; no amino-acid change (glycine 7 retained).
Molecular consequence: synonymous variant. On other transcripts: non-coding transcript variant (1).
Genome position (GRCh38, 1-based): chr4:56,467,656, G>T. VCF-style: chr4-56467656-G-T. GRCh37 (hg19) VCF-style: chr4-57333822-G-T.
Other names: p.Gly7=; c.21G>T, p.Gly7= (NM_001267722.2).
Identifiers: ClinVar variation 349114 (VCV000349114.29), dbSNP rs12513091, ClinGen allele CA2930925.

ClinVar aggregate classification (germline): Benign/Likely benign. Review status: criteria provided, multiple submitters, no conflicts (2 of 4 stars). 8 submissions from 8 submitters: Benign (7); Likely benign (1). Last evaluated 2026-02-04.

Conditions:
Autosomal dominant aplasia and myelodysplasia. Also called: Bone marrow failure syndrome 1. Identifiers: Orphanet 314399, MedGen C3808553, MONDO:0013851, OMIM 614675.

Allele frequency attached by ClinVar (database versions not stated): ESP Exome Variant Server 0.15871; TOPMed 0.20048; 1000 Genomes Project 0.23083; 1000 Genomes Project 30x 0.23345.
gnomAD v4.1: 317,935 of 1,555,988 alleles (20%); highest among the groups gnomAD compares: Admixed American, 42%; 35,055 homozygotes.

Submissions (10):

Labcorp Genetics (formerly Invitae), Labcorp
Classification: Benign. Last evaluated: 2026-02-04. Review status: criteria provided, single submitter. Criteria: Invitae Variant Classification Sherloc (09022015). Collection method: clinical testing. Allele origin: germline.

ARUP Laboratories, Molecular Genetics and Genomics, ARUP Laboratories
Classification: Benign for Autosomal dominant aplasia and myelodysplasia. Last evaluated: 2025-07-30. Review status: criteria provided, single submitter. Criteria: ARUP Molecular Germline Variant Investigation Process 2024. Collection method: clinical testing. Allele origin: germline.

Blueprint Genetics
Classification: Likely benign. Last evaluated: 2024-11-26. Review status: criteria provided, single submitter. Criteria: ACMG Guidelines, 2015. Collection method: clinical testing. Allele origin: germline.

Mayo Clinic Laboratories, Mayo Clinic
Classification: Benign. Last evaluated: 2022-09-06. Review status: criteria provided, single submitter. Criteria: ACMG Guidelines, 2015. Collection method: clinical testing. Allele origin: germline. Observed: 23 variant alleles.

Genome-Nilou Lab
Classification: Benign for Autosomal dominant aplasia and myelodysplasia. Last evaluated: 2021-07-15. Review status: criteria provided, single submitter. Criteria: ACMG Guidelines, 2015. Collection method: clinical testing. Allele origin: germline. Affected: no.

GeneDx
Classification: Benign. Last evaluated: 2018-09-14. Review status: criteria provided, single submitter. Criteria: GeneDx Variant Classification Process June 2021. Collection method: clinical testing. Allele origin: germline. Affected: yes.

Illumina Laboratory Services, Illumina
Classification: Benign for Autosomal dominant aplasia and myelodysplasia. Last evaluated: 2018-01-13. Review status: criteria provided, single submitter. Criteria: ICSL Variant Classification Criteria 13 December 2019. Collection method: clinical testing. Allele origin: germline.
Comment: This variant was observed in the ICSL laboratory as part of a predisposition screen in an ostensibly healthy population. It had not been previously curated by ICSL or reported in the Human Gene Mutation Database (HGMD: prior to June 1st, 2018), and was therefore a candidate for classification through an automated scoring system. Utilizing variant allele frequency, disease prevalence and penetrance estimates, and inheritance mode, an automated score was calculated to assess if this variant is too frequent to cause the disease. Based on the score and internal cut-off values, a variant classified as benign is not then subjected to further curation. The score for this variant resulted in a classification of benign for this disease.

Breakthrough Genomics
Classification: Benign. Review status: criteria provided, single submitter. Criteria: ACMG Guidelines, 2015. Collection method: not provided. Allele origin: germline. Inheritance: Autosomal dominant inheritance. Affected: yes.

Dr. Peter K. Rogan Lab, Western University
No classification provided (evidence only). Condition: Uterine carcinosarcoma. Review status: no classification provided. Collection method: in vitro. Allele origin: not applicable. Functional consequence: retained intron. Not counted in ClinVar's aggregate classification.

Dr. Peter K. Rogan Lab, Western University
No classification provided (evidence only). Condition: Uterine carcinosarcoma. Review status: no classification provided. Collection method: in vitro. Allele origin: not applicable. Functional consequence: retained intron. Not counted in ClinVar's aggregate classification.